The following is an entry in ClinVar:

ClinVar aggregate classification (germline): Uncertain significance (1 of 4 stars; one submission).

Conditions:
Chuvash polycythemia. Also called: POLYCYTHEMIA, VHL-DEPENDENT. Identifiers: Orphanet 238557, MedGen C1837915, MONDO:0009892, OMIM 263400.
Von Hippel-Lindau syndrome (VHLS). Also called: VHL syndrome; von Hippel–Lindau syndrome; Von Hippel-Lindau. Identifiers: Orphanet 892, MedGen C0019562, MONDO:0008667, OMIM 193300. Disease mechanism: loss of function.

Allele frequency attached by ClinVar (database versions not stated): TOPMed below 0.00001; gnomAD 0.00001.

Submission:

Labcorp Genetics (formerly Invitae), Labcorp
Classification: Uncertain significance for Von Hippel-Lindau syndrome; Chuvash polycythemia. Last evaluated: 2025-10-13. Review status: criteria provided, single submitter. Criteria: Invitae Variant Classification Sherloc (09022015). Collection method: clinical testing. Allele origin: germline.
Comment: This sequence change falls in intron 1 of the VHL gene. It is not expected to change the encoded amino acid sequence of the VHL protein. However, this sequence change falls within a cryptic exon in the VHL gene, known as exon E1’, which is naturally expressed at low levels in several human tissues (PMID: 29891534). This variant is not present in population databases (gnomAD no frequency). This variant has not been reported in the literature in individuals affected with VHL-related conditions. ClinVar contains an entry for this variant (Variation ID: 1397164). Studies have shown that this variant is associated with inconclusive levels of altered splicing (internal data). In summary, the available evidence is currently insufficient to determine the role of this variant in disease. Therefore, it has been classified as a Variant of Uncertain Significance.

Literature cited by the submitters: PubMed 29891534.

NM_000551.4(VHL):c.340+615C>T

Genes: VHL (von Hippel-Lindau tumor suppressor; plus strand), LOC107303340 (3p25 von Hippel-Lindau tumor suppressor, E3 ubiquitin protein ligase Alu-mediated recombination region; plus strand). Cytogenetic location: 3p25.3.
Variant type: single nucleotide variant.
Coding change: c.340+615C>T on transcript NM_000551.4 (MANE Select); 615 bases into the intron after coding-DNA position 340, C replaced by T.
Molecular consequence: intron variant. On other transcripts: missense variant (1).
Genome position (GRCh38, 1-based): chr3:10,142,802, C>T. VCF-style: chr3-10142802-C-T. GRCh37 (hg19) VCF-style: chr3-10184486-C-T.
Other names: c.380C>T, p.Ala127Val (NM_001354723.2); c.340+615C>T (NM_198156.3); short protein forms A127V.
Identifiers: ClinVar variation 1397164 (VCV001397164.11), dbSNP rs961184868, ClinGen allele CA70046698.
Genomic context (GRCh38, chr3:10,142,802, plus strand): 5'-CTTAACACCCCATCTGTTCAGTCCTCATGACTCCAGTGGGCCAGTTCTGCGTAGTCCCTG[C>T]CCTCGTGGAGAACACATTCCTCCTGGGGAGACTGACAGATGCAAAGACAGGAACAAGCCA-3'